The following is an entry in ClinVar:

NM_000043.6(FAS):c.867A>C (p.Glu289Asp)

Gene: FAS (Fas cell surface death receptor; plus strand). Cytogenetic location: 10q23.31.
Variant type: single nucleotide variant.
Coding change: c.867A>C on transcript NM_000043.6 (MANE Select); coding-DNA position 867, A replaced by C.
Protein change: p.Glu289Asp; replaces glutamic acid 289 with aspartic acid.
Molecular consequence: missense variant. On other transcripts: 3 prime UTR variant (2), non-coding transcript variant (7).
Genome position (GRCh38, 1-based): chr10:89,014,309, A>C. VCF-style: chr10-89014309-A-C. GRCh37 (hg19) VCF-style: chr10-90774066-A-C.
Other names: c.*190A>C (NM_001320619.2); c.804A>C, p.Glu268Asp (NM_152871.4); c.*179A>C (NM_152872.4); short protein forms E289D, E268D.
Identifiers: ClinVar variation 301531 (VCV000301531.17), dbSNP rs377337130, ClinGen allele CA5593228.

ClinVar aggregate classification (germline): Conflicting classifications of pathogenicity. Review status: criteria provided, conflicting classifications (1 of 4 stars). 3 submissions from 3 submitters: Uncertain significance (1); Likely benign (2). Last evaluated 2025-10-21.

Conditions:
Inborn genetic diseases. Identifiers: MedGen C0950123, MeSH D030342.
Autoimmune lymphoproliferative syndrome type 1. Also called: AUTOIMMUNE LYMPHOPROLIFERATIVE SYNDROME, TYPE I, AUTOSOMAL DOMINANT. Identifiers: Orphanet 3261, MedGen C2717884, MONDO:0011158, OMIM 601859.

Allele frequency attached by ClinVar (database versions not stated): gnomAD 0.00003; ESP Exome Variant Server 0.00008; gnomAD exomes 0.00005; TOPMed 0.00005; ExAC 0.00008.
gnomAD v4.1: 155 of 1,613,920 alleles (0.0096%); highest among the groups gnomAD compares: Non-Finnish European, 0.012%; no homozygotes.

Submissions (3):

Labcorp Genetics (formerly Invitae), Labcorp
Classification: Uncertain significance for Autoimmune lymphoproliferative syndrome. Last evaluated: 2025-10-21. Review status: criteria provided, single submitter. Criteria: Invitae Variant Classification Sherloc (09022015). Collection method: clinical testing. Allele origin: germline.
Comment: This sequence change replaces glutamic acid, which is acidic and polar, with aspartic acid, which is acidic and polar, at codon 289 of the FAS protein (p.Glu289Asp). This variant is present in population databases (rs377337130, gnomAD 0.01%). This variant has not been reported in the literature in individuals affected with FAS-related conditions. ClinVar contains an entry for this variant (Variation ID: 301531). Invitae Evidence Modeling of protein sequence and biophysical properties (such as structural, functional, and spatial information, amino acid conservation, physicochemical variation, residue mobility, and thermodynamic stability) indicates that this missense variant is not expected to disrupt FAS protein function with a negative predictive value of 95%. In summary, the available evidence is currently insufficient to determine the role of this variant in disease. Therefore, it has been classified as a Variant of Uncertain Significance.

Ambry Genetics
Classification: Likely benign for Inborn genetic diseases. Last evaluated: 2023-08-14. Review status: criteria provided, single submitter. Criteria: Ambry Variant Classification Scheme 2023. Collection method: clinical testing. Allele origin: germline.

Illumina Laboratory Services, Illumina
Classification: Likely benign for Autoimmune lymphoproliferative syndrome type 1. Last evaluated: 2018-01-13. Review status: criteria provided, single submitter. Criteria: ICSL Variant Classification Criteria 13 December 2019. Collection method: clinical testing. Allele origin: germline.
Comment: This variant was observed in the ICSL laboratory as part of a predisposition screen in an ostensibly healthy population. It had not been previously curated by ICSL or reported in the Human Gene Mutation Database (HGMD: prior to June 1st, 2018), and was therefore a candidate for classification through an automated scoring system. Utilizing variant allele frequency, disease prevalence and penetrance estimates, and inheritance mode, an automated score was calculated to assess if this variant is too frequent to cause the disease. Based on the score and internal cut-off values, a variant classified as likely benign is not then subjected to further curation. The score for this variant resulted in a classification of likely benign for this disease.